The following is an entry in ClinVar:

ClinVar aggregate classification (germline): Likely benign. Review status: criteria provided, multiple submitters, no conflicts (2 of 4 stars). 2 submissions from 2 submitters: Likely benign (2). Last evaluated 2026-01-19.

Conditions:
Beta-D-mannosidosis (MANSB). Also called: MANNOSIDOSIS, BETA A, LYSOSOMAL; BETA-MANNOSIDASE DEFICIENCY; LYSOSOMAL BETA-MANNOSIDASE DEFICIENCY; Beta-Mannosidosis. Identifiers: Orphanet 118, MedGen C4048196, MONDO:0009562, OMIM 248510.

Allele frequency attached by ClinVar (database versions not stated): gnomAD exomes 0.00027; gnomAD 0.00011; ExAC 0.00022.
gnomAD v4.1: 210 of 1,614,054 alleles (0.013%); highest among the groups gnomAD compares: East Asian, 0.44%; no homozygotes.

Submissions (2):

Labcorp Genetics (formerly Invitae), Labcorp
Classification: Likely benign for Beta-D-mannosidosis. Last evaluated: 2026-01-19. Review status: criteria provided, single submitter. Criteria: Invitae Variant Classification Sherloc (09022015). Collection method: clinical testing. Allele origin: germline.

Women's Health and Genetics/Laboratory Corporation of America, LabCorp
Classification: Likely benign. Last evaluated: 2022-06-10. Review status: criteria provided, single submitter. Criteria: LabCorp Variant Classification Summary - May 2015. Collection method: clinical testing. Allele origin: germline.
Comment: Variant summary: MANBA c.530A>G (p.His177Arg) results in a non-conservative amino acid change in the encoded protein sequence. Four of five in-silico tools predict a damaging effect of the variant on protein function. The variant allele was found at a frequency of 0.00027 in 251416 control chromosomes (gnomAD), predominantly at a frequency of 0.0035 within the East Asian subpopulation in the gnomAD database. The observed variant frequency within East Asian control individuals in the gnomAD database is approximately 3 fold of the estimated maximal expected allele frequency for a pathogenic variant in MANBA causing Beta-Mannosidosis phenotype (0.0011), strongly suggesting that the variant is a benign polymorphism found primarily in populations of East Asian origin. To our knowledge, no occurrence of c.530A>G in individuals affected with Beta-Mannosidosis and no experimental evidence demonstrating its impact on protein function have been reported. No clinical diagnostic laboratories have submitted clinical-significance assessments for this variant to ClinVar after 2014. Based on the evidence outlined above, the variant was classified as likely benign.

NM_005908.4(MANBA):c.530A>G (p.His177Arg)

Gene: MANBA (mannosidase beta; minus strand). Cytogenetic location: 4q24.
Variant type: single nucleotide variant.
Coding change: c.530A>G on transcript NM_005908.4 (MANE Select); coding-DNA position 530, A replaced by G.
Protein change: p.His177Arg; replaces histidine 177 with arginine.
Molecular consequence: missense variant.
Genome position (GRCh38, 1-based): chr4:102,722,890, T>C on the plus strand (A>G on the coding strand, the complement: MANBA is on the minus strand). VCF-style: chr4-102722890-T-C. GRCh37 (hg19) VCF-style: chr4-103644047-T-C.
Other names: short protein forms H177R.
Identifiers: ClinVar variation 1698542 (VCV001698542.6), dbSNP rs750914797, ClinGen allele CA3027200.